The following is an entry in ClinVar:

ClinVar aggregate classification (germline): Benign/Likely benign. Review status: criteria provided, multiple submitters, no conflicts (2 of 4 stars). 3 submissions from 3 submitters: Benign (1); Likely benign (2). Last evaluated 2024-10-04.

Conditions:
Hereditary cancer-predisposing syndrome. Also called: Neoplastic Syndromes, Hereditary; Tumor predisposition; Hereditary Cancer Syndrome; Hereditary neoplastic syndrome. Identifiers: Orphanet 140162, MedGen C0027672, MeSH D009386, MONDO:0015356.
Familial cancer of breast. Also called: BREAST CANCER, FAMILIAL; hereditary breast carcinoma; Hereditary breast cancer. Identifiers: Orphanet 227535, MedGen C0346153, MONDO:0016419, OMIM 114480. Disease mechanism: loss of function.

Submissions (3):

Myriad Genetics, Inc.
Classification: Benign for Familial cancer of breast. Last evaluated: 2024-10-04. Review status: criteria provided, single submitter. Criteria: Myriad Autosomal Dominant, Autosomal Recessive and X-Linked Classification Criteria (2023). Collection method: clinical testing. Allele origin: unknown.
Comment: This variant is considered benign. This variant is a silent/synonymous amino acid change and it is not expected to impact splicing.

Labcorp Genetics (formerly Invitae), Labcorp
Classification: Likely benign for Familial cancer of breast. Last evaluated: 2024-08-15. Review status: criteria provided, single submitter. Criteria: Invitae Variant Classification Sherloc (09022015). Collection method: clinical testing. Allele origin: germline.

Ambry Genetics
Classification: Likely benign for Hereditary cancer-predisposing syndrome. Last evaluated: 2023-12-29. Review status: criteria provided, single submitter. Criteria: Ambry Variant Classification Scheme 2023. Collection method: clinical testing. Allele origin: germline.

NM_007194.4(CHEK2):c.1050A>G (p.Pro350=)

Gene: CHEK2 (checkpoint kinase 2; minus strand). Cytogenetic location: 22q12.1.
Variant type: single nucleotide variant.
Coding change: c.1050A>G on transcript NM_007194.4 (MANE Select); coding-DNA position 1050, A replaced by G.
Protein change: p.Pro350=; no amino-acid change (proline 350 retained).
Molecular consequence: synonymous variant. On other transcripts: intron variant (3).
Genome position (GRCh38, 1-based): chr22:28,696,946, T>C on the plus strand (A>G on the coding strand, the complement: CHEK2 is on the minus strand). VCF-style: chr22-28696946-T-C. GRCh37 (hg19) VCF-style: chr22-29092934-T-C.
Other names: c.1179A>G, p.Pro393= (NM_001005735.3); c.387A>G, p.Pro129= (NM_001257387.3, NM_001437942.1); c.849A>G, p.Pro283= (NM_001349956.3); c.1143A>G, p.Pro381= (NM_001438293.1); c.1009-1073A>G (NM_145862.3); c.1102-1073A>G (NM_001438295.1); c.1138-1073A>G (NM_001438294.1).
Identifiers: ClinVar variation 460777 (VCV000460777.13), dbSNP rs1555914312, ClinGen allele CA513944983.